The following is an entry in ClinVar:

NM_000384.3(APOB):c.7909A>C (p.Lys2637Gln)

Gene: APOB (apolipoprotein B; minus strand). Cytogenetic location: 2p24.1.
Variant type: single nucleotide variant.
Coding change: c.7909A>C on transcript NM_000384.3 (MANE Select); coding-DNA position 7909, A replaced by C.
Protein change: p.Lys2637Gln; replaces lysine 2637 with glutamine.
Molecular consequence: missense variant.
Genome position (GRCh38, 1-based): chr2:21,008,959, T>G on the plus strand (A>C on the coding strand, the complement: APOB is on the minus strand). VCF-style: chr2-21008959-T-G. GRCh37 (hg19) VCF-style: chr2-21231831-T-G.
Other names: short protein forms K2637Q.
Identifiers: ClinVar variation 3885655 (VCV003885655.2).

ClinVar aggregate classification (germline): Uncertain significance (1 of 4 stars; one submission).

Conditions:
Cardiovascular phenotype. Identifiers: MedGen CN230736.

Submission:

Ambry Genetics
Classification: Uncertain significance for Cardiovascular phenotype. Last evaluated: 2026-09-11. Review status: criteria provided, single submitter. Criteria: Ambry Variant Classification Scheme 2023. Collection method: clinical testing. Allele origin: germline.
Comment: The p.K2637Q variant (also known as c.7909A>C), located in coding exon 26 of the APOB gene, results from an A to C substitution at nucleotide position 7909. The lysine at codon 2637 is replaced by glutamine, an amino acid with similar properties. This amino acid position is conserved. In addition, this alteration is predicted to be tolerated by in silico analysis. Based on the available evidence, the clinical significance of this variant remains unclear.